The following is an entry in ClinVar:

NM_000059.4(BRCA2):c.5795del (p.His1932fs)

Gene: BRCA2 (BRCA2 DNA repair associated; plus strand). Cytogenetic location: 13q13.1.
Variant type: Deletion.
Coding change: c.5795del on transcript NM_000059.4 (MANE Select); coding-DNA position 5795, one base deleted (A; older notation c.5795delA).
Protein change: p.His1932fs; shifts the reading frame from histidine 1932.
Molecular consequence: frameshift variant.
Genome position (GRCh38, 1-based): chr13:32,340,150, A deleted. VCF-style (leftmost placement, unchanged base first): chr13-32340149-CA-C. GRCh37 (hg19) VCF-style: chr13-32914286-CA-C.
Other names: c.5795delA (NM_000059.3); short protein forms H1932fs.
Identifiers: ClinVar variation 1331870 (VCV001331870.6), dbSNP rs2137521044, ClinGen allele CA2573053816.

ClinVar aggregate classification (germline): Pathogenic. Review status: criteria provided, multiple submitters, no conflicts (2 of 4 stars). 3 submissions from 3 submitters: Pathogenic (3). Last evaluated 2025-12-26.

Conditions:
Breast-ovarian cancer, familial, susceptibility to, 2 (BROVCA2). Also called: BRCA2 Hereditary Breast and Ovarian Cancer. Identifiers: Orphanet 145, MedGen C2675520, MONDO:0012933, OMIM 612555. Disease mechanism: loss of function.
Hereditary cancer-predisposing syndrome. Also called: Hereditary Cancer Syndrome; Hereditary neoplastic syndrome; Neoplastic Syndromes, Hereditary; Tumor predisposition. Identifiers: Orphanet 140162, MedGen C0027672, MeSH D009386, MONDO:0015356.

Submissions (3):

Myriad Genetics, Inc.
Classification: Pathogenic for Breast-ovarian cancer, familial, susceptibility to, 2. Last evaluated: 2025-12-26. Review status: criteria provided, single submitter. Criteria: Myriad Autosomal Dominant, Autosomal Recessive and X-Linked Classification Criteria (2023). Collection method: clinical testing. Allele origin: unknown.
Comment: This variant is considered pathogenic. This variant creates a frameshift predicted to result in premature protein truncation.

Ambry Genetics
Classification: Pathogenic for Hereditary cancer-predisposing syndrome. Last evaluated: 2025-10-13. Review status: criteria provided, single submitter. Criteria: Ambry Variant Classification Scheme 2023. Collection method: clinical testing. Allele origin: germline.
Comment: The c.5795delA pathogenic mutation, located in coding exon 10 of the BRCA2 gene, results from a deletion of one nucleotide at nucleotide position 5795, causing a translational frameshift with a predicted alternate stop codon (p.H1932Lfs*31). This variant is considered to be rare based on population cohorts in the Genome Aggregation Database (gnomAD). This alteration is expected to result in loss of function by premature protein truncation or nonsense-mediated mRNA decay. As such, this alteration is interpreted as a disease-causing mutation.

Color Diagnostics, LLC DBA Color Health
Classification: Pathogenic for Hereditary cancer-predisposing syndrome. Last evaluated: 2023-11-20. Review status: criteria provided, single submitter. Criteria: ACMG Guidelines, 2015. Collection method: clinical testing. Allele origin: germline.
Comment: This variant deletes 1 nucleotide in exon 11 of the BRCA2 gene, creating a frameshift and premature translation stop signal. This variant is expected to result in an absent or non-functional protein product. To our knowledge, this variant has not been reported in individuals affected with hereditary cancer in the literature. This variant has not been identified in the general population by the Genome Aggregation Database (gnomAD). Loss of BRCA2 function is a known mechanism of disease. Based on the available evidence, this variant is classified as Pathogenic.